The following is an entry in ClinVar:

NM_006019.4(TCIRG1):c.2194G>A (p.Ala732Thr)

Gene: TCIRG1 (T cell immune regulator 1, ATPase H+ transporting V0 subunit a3; plus strand). Cytogenetic location: 11q13.2.
Variant type: single nucleotide variant.
Coding change: c.2194G>A on transcript NM_006019.4 (MANE Select); coding-DNA position 2194, G replaced by A.
Protein change: p.Ala732Thr; replaces alanine 732 with threonine.
Molecular consequence: missense variant.
Genome position (GRCh38, 1-based): chr11:68,050,212, G>A. VCF-style: chr11-68050212-G-A. GRCh37 (hg19) VCF-style: chr11-67817679-G-A.
Other names: c.1300G>A, p.Ala434Thr (NM_001351059.2); c.1546G>A, p.Ala516Thr (NM_006053.4); short protein forms A516T, A732T, A434T.
Identifiers: ClinVar variation 2150034 (VCV002150034.2), dbSNP rs138305091, ClinGen allele CA6147434.

ClinVar aggregate classification (germline): Uncertain significance (1 of 4 stars; one submission).

Allele frequency attached by ClinVar (database versions not stated): TOPMed 0.00003; ESP Exome Variant Server 0.00008; gnomAD 0.00009; ExAC 0.00023.
gnomAD v4.1: 135 of 1,613,380 alleles (0.0084%); highest among the groups gnomAD compares: Non-Finnish European, 0.0038%; no homozygotes.

Submission:

Labcorp Genetics (formerly Invitae), Labcorp
Classification: Uncertain significance. Last evaluated: 2024-05-23. Review status: criteria provided, single submitter. Criteria: Invitae Variant Classification Sherloc (09022015). Collection method: clinical testing. Allele origin: germline.
Comment: This sequence change replaces alanine, which is neutral and non-polar, with threonine, which is neutral and polar, at codon 732 of the TCIRG1 protein (p.Ala732Thr). This variant is present in population databases (rs138305091, gnomAD 0.1%). This variant has not been reported in the literature in individuals affected with TCIRG1-related conditions. ClinVar contains an entry for this variant (Variation ID: 2150034). Advanced modeling of protein sequence and biophysical properties (such as structural, functional, and spatial information, amino acid conservation, physicochemical variation, residue mobility, and thermodynamic stability) performed at Invitae indicates that this missense variant is expected to disrupt TCIRG1 protein function with a positive predictive value of 80%. In summary, the available evidence is currently insufficient to determine the role of this variant in disease. Therefore, it has been classified as a Variant of Uncertain Significance.